The following is an entry in ClinVar:

ClinVar aggregate classification (germline): Pathogenic (1 of 4 stars; one submission).

Submission:

Mayo Clinic Laboratories, Mayo Clinic
Classification: Pathogenic. Last evaluated: 2025-11-26. Review status: criteria provided, single submitter. Criteria: ACMG Guidelines, 2015. Collection method: clinical testing. Allele origin: germline. Observed: 1 variant allele.
Comment: PM2_supporting, PM3_supporting, PVS1

Literature cited by the submitters: PubMed 17185149; PubMed 31834604; PubMed 35628451.

NM_000085.5(CLCNKB):c.1935_1936del (p.His645fs)

Genes: CLCNKB (chloride voltage-gated channel Kb; plus strand), LOC106501713 (CLCNKB recombination region; plus strand). Cytogenetic location: 1p36.13.
Variant type: Microsatellite.
Coding change: c.1935_1936del on transcript NM_000085.5 (MANE Select); coding-DNA positions 1935 to 1936, 2 bases deleted (CA; older notation c.1935_1936delCA).
Protein change: p.His645fs; shifts the reading frame from histidine 645.
Molecular consequence: frameshift variant.
Genome position (GRCh38, 1-based): chr1:16,056,427-16,056,428, CA deleted; deleting any 2 consecutive bases within chr1:16,056,423-16,056,428 gives the same sequence; the c. name uses the placement nearest the transcript's 3' end. VCF-style (leftmost placement, unchanged base first): chr1-16056422-GCA-G. GRCh37 (hg19) VCF-style: chr1-16382917-GCA-G.
Other names: p.His645Glnfs*4; c.1425_1426del, p.His475fs (NM_001165945.2); short protein forms H645fs, H475fs.
Identifiers: ClinVar variation 4540802 (VCV004540802.1).
Genomic context (GRCh38, chr1:16,056,422, plus strand): 5'-GGCTAGAGGGTGGGCTGGGCACCTTCTACCCTCCAGTGTTTCCTAACATCCCCCATCCAG[GCA>G]CACAACCTCTTTGAGCTGTTGAACCTTCATTCCCTCTTTGTGACGTCGCGGGGCAGAGCT-3'